The following is an entry in ClinVar:

ClinVar aggregate classification (germline): Conflicting classifications of pathogenicity. Review status: criteria provided, conflicting classifications (1 of 4 stars). 2 submissions from 2 submitters: Uncertain significance (1); Likely benign (1). Last evaluated 2025-02-23.

Conditions:
Renal carnitine transport defect (CDSP). Also called: Systemic primary carnitine deficiency; Primary carnitine deficiency; Systemic primary carnitine deficiency disease; CARNITINE DEFICIENCY, SYSTEMIC, DUE TO DEFECT IN RENAL REABSORPTION OF CARNITINE; CARNITINE TRANSPORTER, PLASMA-MEMBRANE, DEFICIENCY OF; CARNITINE UPTAKE DEFECT. Identifiers: Orphanet 158, MedGen C0342788, MONDO:0008919, OMIM 212140.

Allele frequency attached by ClinVar (database versions not stated): ExAC 0.00003.
gnomAD v4.1: 3 of 1,575,508 alleles (0.00019%); highest among the groups gnomAD compares: Admixed American, 0.0056%; no homozygotes.

Submissions (2):

Mayo Clinic Laboratories, Mayo Clinic
Classification: Uncertain significance. Last evaluated: 2025-02-23. Review status: criteria provided, single submitter. Criteria: ACMG Guidelines, 2015. Collection method: clinical testing. Allele origin: germline. Observed: 1 variant allele.
Comment: BP4

Giacomini Lab, University of California, San Francisco
Classification: Likely benign for Renal carnitine transport defect. Last evaluated: 2022-10-03. Review status: criteria provided, single submitter. Criteria: ACMG Guidelines, 2015. Collection method: research, in vitro. Allele origin: germline, not applicable.

NM_003060.4(SLC22A5):c.269C>T (p.Ala90Val)

Gene: SLC22A5 (solute carrier family 22 member 5; plus strand). Cytogenetic location: 5q31.1.
Variant type: single nucleotide variant.
Coding change: c.269C>T on transcript NM_003060.4 (MANE Select); coding-DNA position 269, C replaced by T.
Protein change: p.Ala90Val; replaces alanine 90 with valine.
Molecular consequence: missense variant.
Genome position (GRCh38, 1-based): chr5:132,370,241, C>T. VCF-style: chr5-132370241-C-T. GRCh37 (hg19) VCF-style: chr5-131705933-C-T.
Other names: p.Ala90Val; c.269C>T, p.Ala90Val (NM_001308122.2); short protein forms A90V.
Identifiers: ClinVar variation 1707659 (VCV001707659.3), dbSNP rs764805645, ClinGen allele CA3403830.